The following is an entry in ClinVar:

ClinVar aggregate classification (germline): Pathogenic (1 of 4 stars; one submission).

Conditions:
Vissers-Bodmer syndrome. Identifiers: MedGen C5436647, MONDO:0033618, OMIM 619033.

Submission:

University of Washington Department of Laboratory Medicine, University of Washington
Classification: Pathogenic for Vissers-Bodmer syndrome. Last evaluated: 2023-04-07. Review status: criteria provided, single submitter. Criteria: ACMG Guidelines, 2015. Collection method: clinical testing. Allele origin: de novo. Affected: yes.
Comment: This variant was absent from large population databases, including the Genome Aggregation Database. The p.Ile149Asnfs*14 variant results in a 1bp insertion in exon 7 of 49 exons, which causes a shift in the protein reading frame, leading to a premature termination codon 14 amino acids downstream. Nonsense-mediated decay resulting in a truncated or absent protein is predicted with this variant. These predictions have not been tested directly. Heterozygous loss of function leading to haploinsufficiency of the CNOT1 gene is an established mechanism of disease for CNOT1-related neurodevelopmental disorder (Vissers 2020). Using ACMG guidelines, this variant was classified as pathogenic for autosomal dominant CNOT1-related neurodevelopmental disorder (ACMG evidence codes used: PVS1, PS2_moderate, PM2_supporting).

NM_016284.5(CNOT1):c.445dup (p.Ile149fs)

Gene: CNOT1 (CCR4-NOT transcription complex subunit 1; minus strand). Cytogenetic location: 16q21.
Variant type: Duplication.
Coding change: c.445dup on transcript NM_016284.5 (MANE Select); coding-DNA position 445, one base duplicated (A; older notation c.445dupA).
Protein change: p.Ile149fs; shifts the reading frame from isoleucine 149.
Molecular consequence: frameshift variant. On other transcripts: non-coding transcript variant (1).
Genome position (GRCh38, 1-based): chr16:58,586,737, T duplicated on the plus strand (A on the coding strand, the reverse complement: CNOT1 is on the minus strand). VCF-style (leftmost placement, unchanged base first): chr16-58586736-A-AT. GRCh37 (hg19) VCF-style: chr16-58620640-A-AT.
Other names: c.445dup, p.Ile149fs (NM_001265612.2, NM_206999.3); c.445dup (NM_016284.4); short protein forms I149fs.
Identifiers: ClinVar variation 3777073 (VCV003777073.1).